The following is an entry in ClinVar:

ClinVar aggregate classification (germline): Benign/Likely benign. Review status: criteria provided, multiple submitters, no conflicts (2 of 4 stars). 7 submissions from 7 submitters: Benign (1); Likely benign (6). Last evaluated 2025-12-29.

Conditions:
Hereditary cancer-predisposing syndrome. Also called: Neoplastic Syndromes, Hereditary; Hereditary neoplastic syndrome; Tumor predisposition; Hereditary Cancer Syndrome. Identifiers: Orphanet 140162, MedGen C0027672, MeSH D009386, MONDO:0015356.
Peutz-Jeghers syndrome (PJS). Also called: POLYPOSIS, HAMARTOMATOUS INTESTINAL; POLYPS-AND-SPOTS SYNDROME; Peutz-Jeghers polyposis; Periorificial lentiginosis syndrome. Identifiers: Orphanet 2869, MedGen C0031269, MeSH D010580, MONDO:0008280, OMIM 175200.

gnomAD v4.1: 6 of 1,613,706 alleles (0.00037%); highest among the groups gnomAD compares: Admixed American, 0.01%; no homozygotes.

Submissions (7):

Center for Genomic Medicine, Rigshospitalet, Copenhagen University Hospital
Classification: Likely benign. Last evaluated: 2025-12-29. Review status: criteria provided, single submitter. Criteria: ACMG Guidelines, 2015. Collection method: clinical testing. Allele origin: germline.

Labcorp Genetics (formerly Invitae), Labcorp
Classification: Likely benign for Peutz-Jeghers syndrome. Last evaluated: 2025-12-27. Review status: criteria provided, single submitter. Criteria: Invitae Variant Classification Sherloc (09022015). Collection method: clinical testing. Allele origin: germline.

Myriad Genetics, Inc.
Classification: Benign for Peutz-Jeghers syndrome. Last evaluated: 2025-03-25. Review status: criteria provided, single submitter. Criteria: Myriad Autosomal Dominant, Autosomal Recessive and X-Linked Classification Criteria (2023). Collection method: clinical testing. Allele origin: unknown.
Comment: This variant is considered benign. This variant is a silent/synonymous amino acid change and it is not expected to impact splicing.

Department of Pathology and Laboratory Medicine, Sinai Health System
Classification: Likely benign for Peutz-Jeghers syndrome. Last evaluated: 2024-01-09. Review status: criteria provided, single submitter. Criteria: ACMG Guidelines, 2015. Collection method: clinical testing. Allele origin: germline. Affected: yes.

GeneDx
Classification: Likely benign. Last evaluated: 2019-07-05. Review status: criteria provided, single submitter. Criteria: GeneDx Variant Classification Process June 2021. Collection method: clinical testing. Allele origin: germline. Affected: yes.

Ambry Genetics
Classification: Likely benign for Hereditary cancer-predisposing syndrome. Last evaluated: 2017-06-13. Review status: criteria provided, single submitter. Criteria: Ambry Variant Classification Scheme 2023. Collection method: clinical testing. Allele origin: germline.

Color Diagnostics, LLC DBA Color Health
Classification: Likely benign for Hereditary cancer-predisposing syndrome. Last evaluated: 2016-10-11. Review status: criteria provided, single submitter. Criteria: ACMG Guidelines, 2015. Collection method: clinical testing. Allele origin: germline.

NM_000455.5(STK11):c.216G>T (p.Leu72=)

Gene: STK11 (serine/threonine kinase 11; plus strand). Cytogenetic location: 19p13.3.
Variant type: single nucleotide variant.
Coding change: c.216G>T on transcript NM_000455.5 (MANE Select); coding-DNA position 216, G replaced by T.
Protein change: p.Leu72=; no amino-acid change (leucine 72 retained).
Molecular consequence: synonymous variant.
Genome position (GRCh38, 1-based): chr19:1,207,129, G>T. VCF-style: chr19-1207129-G-T. GRCh37 (hg19) VCF-style: chr19-1207128-G-T.
Identifiers: ClinVar variation 392091 (VCV000392091.23), dbSNP rs1057524353, ClinGen allele CA16608002.
Genomic context (GRCh38, chr19:1,207,129, plus strand): 5'-GGACCTGCTGGGGGAAGGCTCTTACGGCAAGGTGAAGGAGGTGCTGGACTCGGAGACGCT[G>T]TGCAGGAGGGCCGTCAAGATCCTCAAGAAGAAGAAGTTGCGAAGGATCCCCAACGGGGAG-3'
Protein context (NP_000446.1, residues 62-82): KVKEVLDSET[Leu72=]CRRAVKILKK